The following is an entry in ClinVar:

ClinVar aggregate classification (germline): Uncertain significance. Review status: criteria provided, multiple submitters, no conflicts (2 of 4 stars). 3 submissions from 3 submitters: Uncertain significance (3). Last evaluated 2025-03-19.

Conditions:
Retinitis pigmentosa (RP). Identifiers: Orphanet 791, MedGen C0035334, MeSH D012174, MONDO:0019200, OMIM 268000. Inheritance: Autosomal dominant, autosomal recessive and X linked inheritance.

Submissions (3):

Ambry Genetics
Classification: Uncertain significance. Last evaluated: 2025-03-19. Review status: criteria provided, single submitter. Criteria: Ambry Variant Classification Scheme 2023. Collection method: clinical testing. Allele origin: germline.

Labcorp Genetics (formerly Invitae), Labcorp
Classification: Uncertain significance. Last evaluated: 2022-04-29. Review status: criteria provided, single submitter. Criteria: Invitae Variant Classification Sherloc (09022015). Collection method: clinical testing. Allele origin: germline.
Comment: This sequence change replaces phenylalanine, which is neutral and non-polar, with leucine, which is neutral and non-polar, at codon 70 of the CA4 protein (p.Phe70Leu). This variant is not present in population databases (gnomAD no frequency). This variant has not been reported in the literature in individuals affected with CA4-related conditions. ClinVar contains an entry for this variant (Variation ID: 324227). Algorithms developed to predict the effect of missense changes on protein structure and function are either unavailable or do not agree on the potential impact of this missense change (SIFT: "Not Available"; PolyPhen-2: "Probably Damaging"; Align-GVGD: "Not Available"). In summary, the available evidence is currently insufficient to determine the role of this variant in disease. Therefore, it has been classified as a Variant of Uncertain Significance.

Illumina Laboratory Services, Illumina
Classification: Uncertain significance for Retinitis pigmentosa. Last evaluated: 2018-01-12. Review status: criteria provided, single submitter. Criteria: ICSL Variant Classification Criteria 13 December 2019. Collection method: clinical testing. Allele origin: germline.

NM_000717.5(CA4):c.210C>A (p.Phe70Leu)

Gene: CA4 (carbonic anhydrase 4; plus strand). Cytogenetic location: 17q23.1.
Variant type: single nucleotide variant.
Coding change: c.210C>A on transcript NM_000717.5 (MANE Select); coding-DNA position 210, C replaced by A.
Protein change: p.Phe70Leu; replaces phenylalanine 70 with leucine.
Molecular consequence: missense variant. On other transcripts: non-coding transcript variant (1).
Genome position (GRCh38, 1-based): chr17:60,156,657, C>A. VCF-style: chr17-60156657-C-A. GRCh37 (hg19) VCF-style: chr17-58234018-C-A.
Other names: short protein forms F70L.
Identifiers: ClinVar variation 324227 (VCV000324227.10), dbSNP rs886053185, ClinGen allele CA10640096.